The following is an entry in ClinVar:

NM_001376.5(DYNC1H1):c.6421G>A (p.Val2141Ile)

Gene: DYNC1H1 (dynein cytoplasmic 1 heavy chain 1; plus strand). Cytogenetic location: 14q32.31.
Variant type: single nucleotide variant.
Coding change: c.6421G>A on transcript NM_001376.5 (MANE Select); coding-DNA position 6421, G replaced by A.
Protein change: p.Val2141Ile; replaces valine 2141 with isoleucine.
Molecular consequence: missense variant.
Genome position (GRCh38, 1-based): chr14:102,010,755, G>A. VCF-style: chr14-102010755-G-A. GRCh37 (hg19) VCF-style: chr14-102477092-G-A.
Other names: short protein forms V2141I.
Identifiers: ClinVar variation 408980 (VCV000408980.13), dbSNP rs765613848, ClinGen allele CA7352626.

ClinVar aggregate classification (germline): Conflicting classifications of pathogenicity. Review status: criteria provided, conflicting classifications (1 of 4 stars). 3 submissions from 3 submitters: Uncertain significance (1); Likely benign (2). Last evaluated 2025-02-12.

Conditions:
Charcot-Marie-Tooth disease axonal type 2O. Also called: Charcot-Marie-Tooth disease, axonal, type 20; CHARCOT-MARIE-TOOTH NEUROPATHY, AXONAL, TYPE 2O; CHARCOT-MARIE-TOOTH DISEASE, AXONAL, AUTOSOMAL DOMINANT, TYPE 2O; Charcot-Marie-Tooth Neuropathy Type 2O. Identifiers: Orphanet 284232, MedGen C3280220, MONDO:0013644, OMIM 614228.
Inborn genetic diseases. Identifiers: MedGen C0950123, MeSH D030342.

Allele frequency attached by ClinVar (database versions not stated): gnomAD exomes 0.00001 and 0.00002; ExAC 0.00002; TOPMed 0.00002; gnomAD 0.00003 and 0.00004.
gnomAD v4.1: 21 of 1,612,874 alleles (0.0013%); highest among the groups gnomAD compares: Middle Eastern, 0.019%; no homozygotes.

Submissions (3):

Labcorp Genetics (formerly Invitae), Labcorp
Classification: Likely benign for Charcot-Marie-Tooth disease axonal type 2O. Last evaluated: 2025-02-12. Review status: criteria provided, single submitter. Criteria: Invitae Variant Classification Sherloc (09022015). Collection method: clinical testing. Allele origin: germline.

Ambry Genetics
Classification: Likely benign for Inborn genetic diseases. Last evaluated: 2019-11-26. Review status: criteria provided, single submitter. Criteria: Ambry Variant Classification Scheme 2023. Collection method: clinical testing. Allele origin: germline.

GeneDx
Classification: Uncertain significance. Last evaluated: 2019-06-18. Review status: criteria provided, single submitter. Criteria: GeneDx Variant Classification Process June 2021. Collection method: clinical testing. Allele origin: germline. Affected: yes.
Comment: In silico analysis, which includes protein predictors and evolutionary conservation, supports that this variant does not alter protein structure/function; Has not been previously published as pathogenic or benign to our knowledge